The following is an entry in ClinVar:

ClinVar aggregate classification (germline): Conflicting classifications of pathogenicity. Review status: criteria provided, conflicting classifications (1 of 4 stars). 6 submissions from 6 submitters: Uncertain significance (1); Benign (2); Likely benign (1). 2 of the submissions do not count toward it. Last evaluated 2025-11-01.

Allele frequency attached by ClinVar (database versions not stated): gnomAD 0.00006; TOPMed 0.00008; ESP Exome Variant Server 0.00015; 1000 Genomes Project 30x 0.00328; 1000 Genomes Project 0.00379.
gnomAD v4.1: 1,414 of 1,613,198 alleles (0.088%); highest among the groups gnomAD compares: South Asian, 1.4%; 22 homozygotes.

Submissions (6):

CeGaT Center for Human Genetics Tuebingen
Classification: Benign. Last evaluated: 2025-11-01. Review status: criteria provided, single submitter. Criteria: CeGaT Center For Human Genetics Tuebingen Variant Classification Criteria Version 2. Collection method: clinical testing. Allele origin: germline. Affected: yes. Observed: 2 variant alleles.
Comment: TTN: BP4, BS1, BS2

Laboratory for Molecular Medicine, Mass General Brigham Personalized Medicine
Classification: Benign. Last evaluated: 2014-11-20. Review status: criteria provided, single submitter. Criteria: LMM Criteria. Collection method: clinical testing. Allele origin: germline. Observed: 6 variant alleles.
Comment: p.Glu4076Lys in exon 45A of TTN: This variant is not expected to have clinical s ignificance because it has been identified in 1.5% (248/16608) of South Asian ch romosomes by the Exome Aggregation Consortium (ExAC. org; dbSNP rs144690298).

GeneDx
Classification: Uncertain significance. Last evaluated: 2014-10-06. Review status: criteria provided, single submitter. Criteria: GeneDx Variant Classification (06012015). Collection method: clinical testing. Allele origin: germline. Affected: yes.
Comment: Missense variants in the TTN gene are considered 'unclassified' if they are not previously reported in the literature and do not have >1% frequency in the population to be considered a polymorphism. Research indicates that truncating mutations in the TTN gene are expected to account for approximately 25% of familial and 18% of sporadic idiopathic DCM; however, truncating variants in the TTN gene have been reported in approximately 3% of reported control alleles. There has been little investigation into non-truncating variants. (Herman D et al. Truncations of titin causing dilated cardiomyopathy. N Eng J Med 366:619-628, 2012) The variant is found in CARDIOMYOPATHY panel(s).

Biesecker Lab/Clinical Genomics Section, National Institutes of Health
Classification: Likely benign. Last evaluated: 2013-06-24. Review status: criteria provided, single submitter. Criteria: Ng et al. (Circ Cardiovasc Genet. 2013). Collection method: research. Allele origin: unknown. Observed: 2 variant alleles. Study: ClinSeq.
Comment: The study set was not selected for affection status in relation to any cancer. Pathogenicity categories were based on literature curation. See Pubmed ID:23861362 for details.

Medical sequencing

Clinical Genetics DNA and cytogenetics Diagnostics Lab, Erasmus MC, Erasmus Medical Center
Classification: Benign. Review status: no assertion criteria provided. Collection method: clinical testing. Allele origin: germline. Affected: yes. Study: VKGL Data-share Consensus. Not counted in ClinVar's aggregate classification.

Clinical Genetics, Academic Medical Center
Classification: Benign. Review status: no assertion criteria provided. Collection method: clinical testing. Allele origin: germline. Affected: yes. Study: VKGL Data-share Consensus. Not counted in ClinVar's aggregate classification.

NM_133379.5(TTN):c.12226G>A (p.Glu4076Lys)

Gene: TTN (titin; minus strand). Cytogenetic location: 2q31.2.
Variant type: single nucleotide variant.
Coding change: c.12226G>A on transcript NM_133379.5; coding-DNA position 12226, G replaced by A.
Protein change: p.Glu4076Lys; replaces glutamic acid 4076 with lysine.
Molecular consequence: missense variant. On other transcripts: intron variant (6).
Genome position (GRCh38, 1-based): chr2:178,750,174, C>T on the plus strand (G>A on the coding strand, the complement: TTN is on the minus strand). VCF-style: chr2-178750174-C-T. GRCh37 (hg19) VCF-style: chr2-179614901-C-T.
Other names: p.E4076K:GAG>AAG; c.10360+2950G>A (NM_133378.4, NM_001256850.1); c.10222+2950G>A (NM_003319.4); c.10798+2950G>A (NM_133437.4); c.10597+2950G>A (NM_133432.3); c.11311+2950G>A (NM_001267550.2); short protein forms E4076K.
Identifiers: ClinVar variation 47744 (VCV000047744.37), dbSNP rs144690298, ClinGen allele CA141813.
Genomic context (GRCh38, chr2:178,750,174, plus strand): 5'-TGTCTCCAGAGGGAGGAACTGGTGGGTTAGTTTTTAACAAATGAAGATTTGTTTGGCCCT[C>T]TTGACTCATAGATGGATGGGCGCCTTTTGCTTGGTCAAACACCAATGCTAACTCTTCTTC-3'